The following is an entry in ClinVar:

NM_000268.4(NF2):c.-65G>T

Genes: NF2 (NF2, moesin-ezrin-radixin like (MERLIN) tumor suppressor; plus strand), LOC130067184 (ATAC-STARR-seq lymphoblastoid silent region 13595; plus strand). Cytogenetic location: 22q12.2.
Variant type: single nucleotide variant.
Coding change: c.-65G>T on transcript NM_000268.4 (MANE Select); 65 bases upstream of the start codon, G replaced by T.
Molecular consequence: 5 prime UTR variant. On other transcripts: non-coding transcript variant (1).
Genome position (GRCh38, 1-based): chr22:29,603,934, G>T. VCF-style: chr22-29603934-G-T. GRCh37 (hg19) VCF-style: chr22-29999923-G-T.
Other names: c.-295G>T (NM_001407053.1, NM_001407056.1); c.-65G>T (NM_001407054.1, NM_001407055.1, NM_001407057.1 and 15 more transcripts); c.-705G>T (NM_001407065.1); c.-321G>T (NM_001407067.1).
Identifiers: ClinVar variation 3632919 (VCV003632919.2).

ClinVar aggregate classification (germline): Uncertain significance (1 of 4 stars; one submission).

Conditions:
Neurofibromatosis, type 2 (SWNV). Also called: BILATERAL ACOUSTIC NEUROFIBROMATOSIS; SCHWANNOMATOSIS, VESTIBULAR; NF2-Related Schwannomatosis. Identifiers: Orphanet 637, MedGen C0027832, MONDO:0007039, OMIM 101000. Disease mechanism: loss of function.

Submission:

Labcorp Genetics (formerly Invitae), Labcorp
Classification: Uncertain significance for Neurofibromatosis, type 2. Last evaluated: 2024-09-29. Review status: criteria provided, single submitter. Criteria: Invitae Variant Classification Sherloc (09022015). Collection method: clinical testing. Allele origin: germline.
Comment: This variant occurs in a non-coding region of the NF2 gene. It does not change the encoded amino acid sequence of the NF2 protein. This variant is not present in population databases (gnomAD no frequency). This variant has not been reported in the literature in individuals affected with NF2-related conditions. In summary, the available evidence is currently insufficient to determine the role of this variant in disease. Therefore, it has been classified as a Variant of Uncertain Significance.